The following is an entry in ClinVar:

NM_025207.5(FLAD1):c.390dup (p.Asn131fs)

Gene: FLAD1 (flavin adenine dinucleotide synthetase 1; plus strand). Cytogenetic location: 1q21.3.
Variant type: Duplication.
Coding change: c.390dup on transcript NM_025207.5 (MANE Select); coding-DNA position 390, one base duplicated (C; older notation c.390dupC).
Protein change: p.Asn131fs; shifts the reading frame from asparagine 131.
Molecular consequence: frameshift variant.
Genome position (GRCh38, 1-based): chr1:154,988,122, C duplicated; the last of 2 consecutive C bases (chr1:154,988,121-154,988,122); duplicating either gives the same sequence. VCF-style (leftmost placement, unchanged base first): chr1-154988120-A-AC. GRCh37 (hg19) VCF-style: chr1-154960596-A-AC.
Other names: c.99dup, p.Asn34fs (NM_001184891.2, NM_201398.3); c.93dup, p.Asn32fs (NM_001184892.2); short protein forms N32fs, N131fs, N34fs.
Identifiers: ClinVar variation 2799984 (VCV002799984.3), dbSNP rs1339685640, ClinGen allele CA526666713.

ClinVar aggregate classification (germline): Pathogenic (1 of 4 stars; one submission).

Submission:

Labcorp Genetics (formerly Invitae), Labcorp
Classification: Pathogenic. Last evaluated: 2025-05-21. Review status: criteria provided, single submitter. Criteria: Invitae Variant Classification Sherloc (09022015). Collection method: clinical testing. Allele origin: germline.
Comment: This sequence change creates a premature translational stop signal (p.Asn131Glnfs*24) in the FLAD1 gene. It is expected to result in an absent or disrupted protein product. Loss-of-function variants in FLAD1 are known to be pathogenic (PMID: 27259049). This variant is present in population databases (no rsID available, gnomAD 0.007%). This variant has not been reported in the literature in individuals affected with FLAD1-related conditions. ClinVar contains an entry for this variant (Variation ID: 2799984). For these reasons, this variant has been classified as Pathogenic.

Literature cited by the submitters: PubMed 27259049.